The following is an entry in ClinVar:

NM_001365536.1(SCN9A):c.2606T>A (p.Leu869His)

Genes: SCN1A-AS1 (SCN1A and SCN9A antisense RNA 1; plus strand), SCN9A (sodium voltage-gated channel alpha subunit 9; minus strand). Cytogenetic location: 2q24.3.
Variant type: single nucleotide variant.
Coding change: c.2606T>A on transcript NM_001365536.1 (MANE Select); coding-DNA position 2606, T replaced by A.
Protein change: p.Leu869His; replaces leucine 869 with histidine.
Molecular consequence: missense variant.
Genome position (GRCh38, 1-based): chr2:166,277,251, A>T on the plus strand (T>A on the coding strand, the complement: SCN9A is on the minus strand). VCF-style: chr2-166277251-A-T. GRCh37 (hg19) VCF-style: chr2-167133761-A-T.
Other names: c.2573T>A, p.Leu858His (NM_002977.4); short protein forms L858H, L869H.
Identifiers: ClinVar variation 6349 (VCV000006349.9), dbSNP rs80356475, ClinGen allele CA340542.

ClinVar aggregate classification (germline): Pathogenic. Review status: criteria provided, multiple submitters, no conflicts (2 of 4 stars). 4 submissions from 4 submitters: Pathogenic (2). 2 of the submissions do not count toward it. Last evaluated 2026-03-27.

Conditions:
Neuropathy, hereditary sensory and autonomic, type 2A (HSAN2A). Also called: HSAN IIA; ACROOSTEOLYSIS, GIACCAI TYPE; ACROOSTEOLYSIS, NEUROGENIC; WNK1-Related HSAN2 (HSAN2A); MORVAN DISEASE; NEUROPATHY, CONGENITAL SENSORY. Identifiers: Orphanet 970, MedGen C2752089, MONDO:0024309, OMIM 201300.
Generalized epilepsy with febrile seizures plus, type 7 (GEFSP7). Also called: GEFS+, TYPE 7. Identifiers: Orphanet 36387, MedGen C2751778, MONDO:0013470, OMIM 613863.
Primary erythromelalgia. Also called: primary erythermalgia; SCN9A Erythromelalgia (SCN9A-EM). Identifiers: Orphanet 306577, Orphanet 90026, MedGen C0014805, MONDO:0007571, OMIM 133020.

Submissions (4):

Women's Health and Genetics/Laboratory Corporation of America, LabCorp
Classification: Pathogenic for Primary erythromelalgia. Last evaluated: 2026-03-27. Review status: criteria provided, single submitter. Criteria: LabCorp Variant Classification Summary - May 2015. Collection method: clinical testing. Allele origin: germline.
Comment: Variant summary: SCN9A c.2573T>A (p.Leu858His) results in a non-conservative amino acid change in the encoded protein sequence. Algorithms developed to predict the effect of missense changes on protein structure and function all suggest that this variant is likely to be disruptive. The variant was absent in 251306 control chromosomes. c.2573T>A has been observed in multiple individuals affected with Primary Erythromelalgia and has been found to segregate with the phenotype in related individuals (e.g. Yang_2004). These data indicate that the variant is very likely to be associated with disease. Experimental studies show that the variant results in hyperexcitability of the SCN9A channel (e.g. Cummins_2004, Vasylyev_2014). The following publications have been ascertained in the context of this evaluation (PMID: 14985375, 15385606, 24401712). ClinVar contains an entry for this variant (Variation ID: 6349). To our knowledge, this variant has not been reported in individuals with Channelopathy-Associated Congenital Insensitivity To Pain. Based on the evidence outlined above, the variant was classified as pathogenic for Primary Erythromelalgia

Labcorp Genetics (formerly Invitae), Labcorp
Classification: Pathogenic for Neuropathy, hereditary sensory and autonomic, type 2A; Generalized epilepsy with febrile seizures plus, type 7. Last evaluated: 2025-08-18. Review status: criteria provided, single submitter. Criteria: Invitae Variant Classification Sherloc (09022015). Collection method: clinical testing. Allele origin: germline.
Comment: This sequence change replaces leucine, which is neutral and non-polar, with histidine, which is basic and polar, at codon 858 of the SCN9A protein (p.Leu858His). This variant is not present in population databases (gnomAD no frequency). This missense change has been observed in individual(s) with autosomal dominant primary erythromelalgia (PMID: 14985375). It has also been observed to segregate with disease in related individuals. ClinVar contains an entry for this variant (Variation ID: 6349). Invitae Evidence Modeling of protein sequence and biophysical properties (such as structural, functional, and spatial information, amino acid conservation, physicochemical variation, residue mobility, and thermodynamic stability) has been performed for this missense variant. However, the output from this modeling did not meet the statistical confidence thresholds required to predict the impact of this variant on SCN9A protein function. Experimental studies have shown that this missense change affects SCN9A function (PMID: 15385606, 16702558, 21115638). For these reasons, this variant has been classified as Pathogenic.

OMIM
Classification: Pathogenic for ERYTHERMALGIA, PRIMARY. Last evaluated: 2006-05-23. Review status: no assertion criteria provided. Collection method: literature only. Allele origin: germline. Not counted in ClinVar's aggregate classification.

GeneReviews
No classification provided. Condition: Primary erythromelalgia. Review status: no classification provided. Collection method: literature only. Allele origin: unknown. Not counted in ClinVar's aggregate classification.

Literature cited by the submitters: PubMed 15385606 (cited by 4 submitters); PubMed 24401712 (cited by Women's Health and Genetics/Laboratory Corporation of America, LabCorp); PubMed 14985375 (cited by 4 submitters); PubMed 16702558 (cited by 3 submitters); PubMed 21115638 (cited by Labcorp Genetics (formerly Invitae), Labcorp); PubMed 20301342 (cited by GeneReviews); NCBI Bookshelf NBK1163 (cited by GeneReviews).